The following is an entry in ClinVar:

ClinVar aggregate classification (germline): Pathogenic (1 of 4 stars; one submission).

Conditions:
Hereditary cancer-predisposing syndrome. Also called: Neoplastic Syndromes, Hereditary; Tumor predisposition; Hereditary Cancer Syndrome; Hereditary neoplastic syndrome. Identifiers: Orphanet 140162, MedGen C0027672, MeSH D009386, MONDO:0015356.

Submission:

Ambry Genetics
Classification: Pathogenic for Hereditary cancer-predisposing syndrome. Last evaluated: 2021-07-19. Review status: criteria provided, single submitter. Criteria: Ambry Variant Classification Scheme 2023. Collection method: clinical testing. Allele origin: germline.
Comment: The c.1833delT pathogenic mutation, located in coding exon 11 of the PMS2 gene, results from a deletion of one nucleotide at nucleotide position 1833, causing a translational frameshift with a predicted alternate stop codon (p.N612Ifs*11). This alteration is expected to result in loss of function by premature protein truncation or nonsense-mediated mRNA decay. As such, this alteration is interpreted as a disease-causing mutation.

NM_000535.7(PMS2):c.1833del (p.Asn612fs)

Gene: PMS2 (PMS1 homolog 2, mismatch repair system component; minus strand). Cytogenetic location: 7p22.1.
Variant type: Deletion.
Coding change: c.1833del on transcript NM_000535.7 (MANE Select); coding-DNA position 1833, one base deleted (T; older notation c.1833delT).
Protein change: p.Asn612fs; shifts the reading frame from asparagine 612.
Molecular consequence: frameshift variant. On other transcripts: non-coding transcript variant (1).
Genome position (GRCh38, 1-based): chr7:5,986,932, A deleted on the plus strand (T on the coding strand, the reverse complement: PMS2 is on the minus strand); the first of 2 consecutive A bases (chr7:5,986,932-5,986,933); deleting either gives the same sequence. VCF-style (leftmost placement, unchanged base first): chr7-5986931-TA-T. GRCh37 (hg19) VCF-style: chr7-6026562-TA-T.
Other names: c.1427delT, p.Asn477Ilefs (NM_001018040.1, NM_001406887.1, NM_001406888.1 and 13 more transcripts); c.1428del, p.Asn477fs (NM_001322003.2, NM_001322004.2, NM_001322005.2 and 1 more transcripts); c.1677del, p.Asn560fs (NM_001322006.2); c.1515del, p.Asn506fs (NM_001322007.2, NM_001322008.2); c.1272del, p.Asn425fs (NM_001322010.2); c.900del, p.Asn301fs (NM_001322011.2, NM_001322012.2); c.1260del, p.Asn421fs (NM_001322013.2); c.1833del, p.Asn612fs (NM_001322014.2); and 20 more; short protein forms N301fs, N421fs, N509fs, N612fs, N560fs, N477fs, N425fs, N506fs.
Identifiers: ClinVar variation 1781000 (VCV001781000.2), dbSNP rs2128722695, ClinGen allele CA2580076880.